The following is an entry in ClinVar:

ClinVar aggregate classification (germline): Uncertain significance (1 of 4 stars; one submission).

Conditions:
FG syndrome (FGS). Identifiers: MedGen C0220769, MONDO:0002010.

Submission:

Labcorp Genetics (formerly Invitae), Labcorp
Classification: Uncertain significance for FG syndrome. Last evaluated: 2024-09-09. Review status: criteria provided, single submitter. Criteria: Invitae Variant Classification Sherloc (09022015). Collection method: clinical testing. Allele origin: germline.
Comment: This sequence change replaces valine, which is neutral and non-polar, with leucine, which is neutral and non-polar, at codon 732 of the MED12 protein (p.Val732Leu). This variant is not present in population databases (gnomAD no frequency). This variant has not been reported in the literature in individuals affected with MED12-related conditions. Invitae Evidence Modeling of protein sequence and biophysical properties (such as structural, functional, and spatial information, amino acid conservation, physicochemical variation, residue mobility, and thermodynamic stability) indicates that this missense variant is not expected to disrupt MED12 protein function with a negative predictive value of 95%. Algorithms developed to predict the effect of sequence changes on RNA splicing suggest that this variant may create or strengthen a splice site. In summary, the available evidence is currently insufficient to determine the role of this variant in disease. Therefore, it has been classified as a Variant of Uncertain Significance.

NM_005120.3(MED12):c.2194G>T (p.Val732Leu)

Gene: MED12 (mediator complex subunit 12; plus strand). Cytogenetic location: Xq13.1.
Variant type: single nucleotide variant.
Coding change: c.2194G>T on transcript NM_005120.3 (MANE Select); coding-DNA position 2194, G replaced by T.
Protein change: p.Val732Leu; replaces valine 732 with leucine.
Molecular consequence: missense variant.
Genome position (GRCh38, 1-based): chrX:71,125,114, G>T. VCF-style: chrX-71125114-G-T. GRCh37 (hg19) VCF-style: chrX-70344964-G-T.
Other names: short protein forms V732L.
Identifiers: ClinVar variation 2981093 (VCV002981093.3), dbSNP rs750304793, ClinGen allele CA413511534.